The following is an entry in ClinVar:

NM_000722.4(CACNA2D1):c.3242G>T (p.Trp1081Leu)

Gene: CACNA2D1 (calcium voltage-gated channel auxiliary subunit alpha2delta 1; minus strand). Cytogenetic location: 7q21.11.
Variant type: single nucleotide variant.
Coding change: c.3242G>T on transcript NM_000722.4 (MANE Select); coding-DNA position 3242, G replaced by T.
Protein change: p.Trp1081Leu; replaces tryptophan 1081 with leucine.
Molecular consequence: missense variant.
Genome position (GRCh38, 1-based): chr7:81,950,426, C>A on the plus strand (G>T on the coding strand, the complement: CACNA2D1 is on the minus strand). VCF-style: chr7-81950426-C-A. GRCh37 (hg19) VCF-style: chr7-81579742-C-A.
Other names: c.3278G>T, p.Trp1093Leu (NM_001366867.1); short protein forms W1081L, W1093L.
Identifiers: ClinVar variation 2904255 (VCV002904255.5), dbSNP rs773980191, ClinGen allele CA4317329.
Genomic context (GRCh38, chr7:81,950,426, plus strand): 5'-ACTATGCAGATTTGGTTTTTAGAAGGTCATAACAGGCGGTGTGTGCTGCCAGATACCAGC[C>A]AAAGTAGTAGAAACTGGATTCCAATGATATACCACAGGGAGGGATTTAATCCAGAAACAC-3'
Protein context (NP_000713.2, residues 1071-1091): YIIGIQFLLL[Trp1081Leu]LVSGSTHRLL

ClinVar aggregate classification (germline): Uncertain significance. Review status: criteria provided, multiple submitters, no conflicts (2 of 4 stars). 2 submissions from 2 submitters: Uncertain significance (2). Last evaluated 2025-11-16.

Conditions:
Brugada syndrome. Also called: Sudden unexplained nocturnal death syndrome; Sudden Unexplained Death Syndrome; Sudden Unexplained Nocturnal Death Syndrome (SUNDS); Sudden unexpected nocturnal death syndrome. Identifiers: Orphanet 130, MedGen C1142166, MONDO:0015263.
Cardiovascular phenotype. Identifiers: MedGen CN230736.

Allele frequency attached by ClinVar (database versions not stated): ExAC 0.00001; gnomAD exomes 0.00004.
gnomAD v4.1: 53 of 1,612,914 alleles (0.0033%); highest among the groups gnomAD compares: Non-Finnish European, 0.0045%; no homozygotes.

Submissions (2):

Ambry Genetics
Classification: Uncertain significance for Cardiovascular phenotype. Last evaluated: 2025-11-16. Review status: criteria provided, single submitter. Criteria: Ambry Variant Classification Scheme 2023. Collection method: clinical testing. Allele origin: germline.
Comment: The p.W1081L variant (also known as c.3242G>T), located in coding exon 39 of the CACNA2D1 gene, results from a G to T substitution at nucleotide position 3242. The tryptophan at codon 1081 is replaced by leucine, an amino acid with similar properties. This amino acid position is conserved. In addition, the in silico prediction for this alteration is inconclusive. Based on the available evidence, the clinical significance of this variant remains unclear.

Labcorp Genetics (formerly Invitae), Labcorp
Classification: Uncertain significance for Brugada syndrome. Last evaluated: 2023-06-27. Review status: criteria provided, single submitter. Criteria: Invitae Variant Classification Sherloc (09022015). Collection method: clinical testing. Allele origin: germline.
Comment: In summary, the available evidence is currently insufficient to determine the role of this variant in disease. Therefore, it has been classified as a Variant of Uncertain Significance. This sequence change replaces tryptophan, which is neutral and slightly polar, with leucine, which is neutral and non-polar, at codon 1081 of the CACNA2D1 protein (p.Trp1081Leu). This variant is present in population databases (rs773980191, gnomAD 0.002%). This variant has not been reported in the literature in individuals affected with CACNA2D1-related conditions. An algorithm developed to predict the effect of missense changes on protein structure and function (PolyPhen-2) suggests that this variant is likely to be tolerated.